The following is an entry in ClinVar:

NC_000004.12:g.(?_185500650)_(185535568_?)dup

Gene: PDLIM3 (PDZ and LIM domain 3; minus strand). Cytogenetic location: 4q35.1.
Variant type: Duplication.
Identifiers: ClinVar variation 831671 (VCV000831671.1).

ClinVar aggregate classification (germline): Uncertain significance (1 of 4 stars; one submission).

Conditions:
Hypertrophic cardiomyopathy. Also called: HYPERTROPHIC MYOCARDIOPATHY. Identifiers: Orphanet 217569, MedGen C0007194, MeSH D002312, MONDO:0005045, HP:0001639.
Primary dilated cardiomyopathy (DCM). Also called: Dilated Cardiomyopathy. Identifiers: Orphanet 217604, MedGen C0007193, MeSH D002311, MONDO:0005021, HP:0001644. Inheritance: Various modes of inheritance.

Submission:

Labcorp Genetics (formerly Invitae), Labcorp
Classification: Uncertain significance for Hypertrophic cardiomyopathy; Primary dilated cardiomyopathy. Last evaluated: 2019-12-27. Review status: criteria provided, single submitter. Criteria: Invitae Variant Classification Sherloc (09022015). Collection method: clinical testing. Allele origin: germline.
Comment: This variant results in a copy number gain of the genomic region encompassing the full coding sequence of the PDLIM3 gene. The boundaries of this event are unknown as they extend beyond the assayed region for this gene and therefore may encompass additional genes. As the precise location of this event is unknown, it may be in tandem or it may be located elsewhere in the genome. This variant has not been reported in the literature in individuals with PDLIM3-related conditions. Experimental studies and prediction algorithms are not available or were not evaluated, and the functional significance of this variant is currently unknown. In summary, the available evidence is currently insufficient to determine the role of this variant in disease. Therefore, it has been classified as a Variant of Uncertain Significance.